The following is an entry in ClinVar:

NM_000426.4(LAMA2):c.7921G>T (p.Glu2641Ter)

Gene: LAMA2 (laminin subunit alpha 2; plus strand). Cytogenetic location: 6q22.33.
Variant type: single nucleotide variant.
Coding change: c.7921G>T on transcript NM_000426.4 (MANE Select); coding-DNA position 7921, G replaced by T.
Protein change: p.Glu2641Ter; replaces glutamic acid 2641 with a stop codon.
Molecular consequence: nonsense.
Genome position (GRCh38, 1-based): chr6:129,491,923, G>T. VCF-style: chr6-129491923-G-T. GRCh37 (hg19) VCF-style: chr6-129813068-G-T.
Other names: c.7909G>T, p.Glu2637Ter (NM_001079823.2); short protein forms E2637*, E2641*.
Identifiers: ClinVar variation 4796576 (VCV004796576.1).

ClinVar aggregate classification (germline): Pathogenic (1 of 4 stars; one submission).

Conditions:
Muscular dystrophy, limb-girdle, autosomal recessive 23. Identifiers: Orphanet 565837, MedGen C4748327, MONDO:0029136, OMIM 618138.
Merosin deficient congenital muscular dystrophy (MDC1A). Also called: Congenital Muscular Dystrophy Type 1A (MDC1A); Congenital merosin-deficient muscular dystrophy 1A. Identifiers: Orphanet 258, MedGen C1263858, MONDO:0011925, OMIM 607855.

Submission:

Juno Genomics, Hangzhou Juno Genomics, Inc
Classification: Pathogenic for Merosin deficient congenital muscular dystrophy; Muscular dystrophy, limb-girdle, autosomal recessive 23. Review status: criteria provided, single submitter. Criteria: ACMG Guidelines, 2015. Collection method: clinical testing. Allele origin: germline. Affected: yes.
Comment: Absent from controls (or at extremely low frequency if recessive) in Genome Aggregation Database, Exome Sequencing Project, 1000 Genomes Project, or Exome Aggregation Consortium.;Null variant in a gene where loss of function (LOF) is a known mechanism of disease.;For recessive disorders, detected in trans with a pathogenic variant.